The following is an entry in ClinVar:

NM_014000.3(VCL):c.660C>T (p.Asn220=)

Gene: VCL (vinculin; plus strand). Cytogenetic location: 10q22.2.
Variant type: single nucleotide variant.
Coding change: c.660C>T on transcript NM_014000.3 (MANE Select); coding-DNA position 660, C replaced by T.
Protein change: p.Asn220=; no amino-acid change (asparagine 220 retained).
Molecular consequence: synonymous variant.
Genome position (GRCh38, 1-based): chr10:74,074,780, C>T. VCF-style: chr10-74074780-C-T. GRCh37 (hg19) VCF-style: chr10-75834538-C-T.
Other names: p.N220N:AAC>AAT; p.Asn220=; c.660C>T, p.Asn220= (NM_003373.4).
Identifiers: ClinVar variation 45619 (VCV000045619.63), dbSNP rs56264452, ClinGen allele CA136802.

ClinVar aggregate classification (germline): Benign/Likely benign. Review status: criteria provided, multiple submitters, no conflicts (2 of 4 stars). 16 submissions from 16 submitters: Benign (5); Likely benign (8). 3 of the submissions do not count toward it. Last evaluated 2026-02-03.

Conditions:
Cardiovascular phenotype. Identifiers: MedGen CN230736.
Cardiomyopathy (CMYO). Also called: Cardiomyopathies. Identifiers: Orphanet 167848, MedGen C0878544, MONDO:0004994, HP:0001638. Inheritance: Various modes of inheritance.
Dilated cardiomyopathy 1W (CMD1W). Identifiers: Orphanet 154, MedGen C1969639, MONDO:0012667, OMIM 611407.

Allele frequency attached by ClinVar (database versions not stated): 1000 Genomes Project 30x 0.00047; 1000 Genomes Project 0.00060; ESP Exome Variant Server 0.00069; ExAC 0.00079; gnomAD exomes 0.00081; gnomAD 0.00091 and 0.00094; TOPMed 0.00091.
gnomAD v4.1: 2,900 of 1,613,478 alleles (0.18%); highest among the groups gnomAD compares: Non-Finnish European, 0.23%; 4 homozygotes.

Submissions (16):

Labcorp Genetics (formerly Invitae), Labcorp
Classification: Benign for Dilated cardiomyopathy 1W. Last evaluated: 2026-02-03. Review status: criteria provided, single submitter. Criteria: Invitae Variant Classification Sherloc (09022015). Collection method: clinical testing. Allele origin: germline.

Molecular Diagnostic Laboratory for Inherited Cardiovascular Disease, Montreal Heart Institute
Classification: Likely benign. Last evaluated: 2025-04-09. Review status: criteria provided, single submitter. Criteria: ACMG Guidelines, 2015. Collection method: clinical testing. Allele origin: germline. Affected: no.

Laboratory of Genetics, Children's Clinical University Hospital Latvia
Classification: Likely benign. Last evaluated: 2025-02-16. Review status: criteria provided, single submitter. Criteria: ACMG Guidelines, 2015. Collection method: clinical testing. Allele origin: germline. Affected: yes.

Blueprint Genetics
Classification: Likely benign. Last evaluated: 2024-10-03. Review status: criteria provided, single submitter. Criteria: ACMG Guidelines, 2015. Collection method: clinical testing. Allele origin: germline.

Mayo Clinic Laboratories, Mayo Clinic
Classification: Likely benign. Last evaluated: 2024-06-24. Review status: criteria provided, single submitter. Criteria: ACMG Guidelines, 2015. Collection method: clinical testing. Allele origin: germline. Observed: 3 variant alleles.
Comment: BS1, BP4, BP7

CeGaT Center for Human Genetics Tuebingen
Classification: Likely benign. Last evaluated: 2024-02-01. Review status: criteria provided, single submitter. Criteria: CeGaT Center For Human Genetics Tuebingen Variant Classification Criteria Version 2. Collection method: clinical testing. Allele origin: germline. Affected: yes. Observed: 1 variant allele.
Comment: VCL: BP4, BP7

CHEO Genetics Diagnostic Laboratory, Children's Hospital of Eastern Ontario
Classification: Benign for Cardiomyopathy. Last evaluated: 2023-05-16. Review status: criteria provided, single submitter. Criteria: ACMG Guidelines, 2015. Collection method: clinical testing. Allele origin: germline.

Laboratory for Molecular Medicine, Mass General Brigham Personalized Medicine
Classification: Benign. Last evaluated: 2021-09-24. Review status: criteria provided, single submitter. Criteria: ACMG Guidelines, 2015. Collection method: clinical testing. Allele origin: germline.
Comment: The p.Asn220Asn variant in VCL is classified as benign because it does not alter an amino acid residue, is not located within the splice consensus site, and computational splice prediction tools do not predict an impact on splicing. It has been identified in 0.14% (177/128886) of European chromosomes by gnomAD. ACMG/AMP Criteria applied: BA1, BP4, BP7.

ARUP Laboratories, Molecular Genetics and Genomics, ARUP Laboratories
Classification: Benign. Last evaluated: 2020-06-02. Review status: criteria provided, single submitter. Criteria: ARUP Molecular Germline Variant Investigation Process. Collection method: clinical testing. Allele origin: germline.

Illumina Laboratory Services, Illumina
Classification: Likely benign for Dilated cardiomyopathy 1W. Last evaluated: 2017-04-27. Review status: criteria provided, single submitter. Criteria: ICSL Variant Classification Criteria 13 December 2019. Collection method: clinical testing. Allele origin: germline.
Comment: This variant was observed as part of a predisposition screen in an ostensibly healthy population. A literature search was performed for the gene, cDNA change, and amino acid change (where applicable). Publications were found based on this search. The evidence from the literature, in combination with allele frequency data from public databases where available, was sufficient to determine this variant is unlikely to cause disease. Therefore, this variant is classified as likely benign.

Ambry Genetics
Classification: Likely benign for Cardiovascular phenotype. Last evaluated: 2015-05-20. Review status: criteria provided, single submitter. Criteria: Ambry Variant Classification Scheme 2023. Collection method: clinical testing. Allele origin: germline.

GeneDx
Classification: Benign. Last evaluated: 2014-03-31. Review status: criteria provided, single submitter. Criteria: GeneDx Variant Classification (06012015). Collection method: clinical testing. Allele origin: germline. Affected: yes.
Comment: This variant is considered likely benign or benign based on one or more of the following criteria: it is a conservative change, it occurs at a poorly conserved position in the protein, it is predicted to be benign by multiple in silico algorithms, and/or has population frequency not consistent with disease.

Breakthrough Genomics
Classification: Likely benign. Review status: criteria provided, single submitter. Criteria: ACMG Guidelines, 2015. Collection method: not provided. Allele origin: germline. Inheritance: Autosomal dominant inheritance. Affected: yes.

Clinical Genetics, Academic Medical Center
Classification: Benign. Review status: no assertion criteria provided. Collection method: clinical testing. Allele origin: germline. Affected: yes. Study: VKGL Data-share Consensus. Not counted in ClinVar's aggregate classification.

Genome Diagnostics Laboratory, University Medical Center Utrecht
Classification: Likely benign. Review status: no assertion criteria provided. Collection method: clinical testing. Allele origin: germline. Affected: yes. Study: VKGL Data-share Consensus. Not counted in ClinVar's aggregate classification.

Joint Genome Diagnostic Labs from Nijmegen and Maastricht, Radboudumc and MUMC+
Classification: Likely benign. Review status: no assertion criteria provided. Collection method: clinical testing. Allele origin: germline. Affected: yes. Study: VKGL Data-share Consensus. Not counted in ClinVar's aggregate classification.

Literature cited by the submitters: PubMed 24503780 (cited by Illumina Laboratory Services, Illumina).